The following is an entry in ClinVar:

NM_001939.3(DRP2):c.1607A>G (p.His536Arg)

Gene: DRP2 (dystrophin related protein 2; plus strand). Cytogenetic location: Xq22.1.
Variant type: single nucleotide variant.
Coding change: c.1607A>G on transcript NM_001939.3 (MANE Select); coding-DNA position 1607, A replaced by G.
Protein change: p.His536Arg; replaces histidine 536 with arginine.
Molecular consequence: missense variant.
Genome position (GRCh38, 1-based): chrX:101,250,489, A>G. VCF-style: chrX-101250489-A-G. GRCh37 (hg19) VCF-style: chrX-100505478-A-G.
Other names: c.1373A>G, p.His458Arg (NM_001171184.2); short protein forms H536R, H458R.
Identifiers: ClinVar variation 3667558 (VCV003667558.2).

ClinVar aggregate classification (germline): Uncertain significance (1 of 4 stars; one submission).

Submission:

Labcorp Genetics (formerly Invitae), Labcorp
Classification: Uncertain significance. Last evaluated: 2024-05-14. Review status: criteria provided, single submitter. Criteria: Invitae Variant Classification Sherloc (09022015). Collection method: clinical testing. Allele origin: germline.
Comment: This sequence change replaces histidine, which is basic and polar, with arginine, which is basic and polar, at codon 536 of the DRP2 protein (p.His536Arg). The frequency data for this variant in the population databases is considered unreliable, as metrics indicate poor data quality at this position in the gnomAD database. This variant has not been reported in the literature in individuals affected with DRP2-related conditions. Advanced modeling of protein sequence and biophysical properties (such as structural, functional, and spatial information, amino acid conservation, physicochemical variation, residue mobility, and thermodynamic stability) performed at Invitae indicates that this missense variant is not expected to disrupt DRP2 protein function with a negative predictive value of 80%. In summary, the available evidence is currently insufficient to determine the role of this variant in disease. Therefore, it has been classified as a Variant of Uncertain Significance.